The following is an entry in ClinVar:

ClinVar aggregate classification (germline): Likely benign (1 of 4 stars; one submission).

Allele frequency attached by ClinVar (database versions not stated): gnomAD exomes below 0.00001; gnomAD 0.00001.

Submission:

CeGaT Center for Human Genetics Tuebingen
Classification: Likely benign. Last evaluated: 2026-05-01. Review status: criteria provided, single submitter. Criteria: CeGaT Center For Human Genetics Tuebingen Variant Classification Criteria Version 2. Collection method: clinical testing. Allele origin: germline. Affected: yes. Observed: 2 variant alleles.
Comment: DMBT1: BP4, BP7

NM_001377530.1(DMBT1):c.1581T>C (p.Asp527=)

Gene: DMBT1 (deleted in malignant brain tumors 1; plus strand). Cytogenetic location: 10q26.13.
Variant type: single nucleotide variant.
Coding change: c.1581T>C on transcript NM_001377530.1 (MANE Select); coding-DNA position 1581, T replaced by C.
Protein change: p.Asp527=; no amino-acid change (aspartic acid 527 retained).
Molecular consequence: synonymous variant. On other transcripts: intron variant (1).
Genome position (GRCh38, 1-based): chr10:122,586,181, T>C. VCF-style: chr10-122586181-T-C. GRCh37 (hg19) VCF-style: chr10-124345697-T-C.
Other names: c.1581T>C, p.Asp527= (NM_001320644.2, NM_007329.3); c.1551T>C, p.Asp517= (NM_017579.3); c.1420+1830T>C (NM_004406.3).
Identifiers: ClinVar variation 2640916 (VCV002640916.24), dbSNP rs1485946365, ClinGen allele CA471746027.